The following is an entry in ClinVar:

GRCh37/hg19 Xp22.31(chrX:6476350-8135053)x3

Genes: VCX (variable charge X-linked; plus strand), PNPLA4 (patatin like domain 4, phospholipase and triacylglycerol lipase; minus strand), PUDP (pseudouridine 5'-phosphatase; minus strand), STS (steroid sulfatase; plus strand). Cytogenetic location: Xp22.31.
Variant type: copy number gain.
Change: copy number 3 of chrX:6,476,350-8,135,053 (1.66 Mb, GRCh37 coordinates, 1-based), cytogenetic band Xp22.31.
Identifiers: ClinVar variation 929373 (VCV000929373.2).

ClinVar aggregate classification (germline): Likely pathogenic (1 of 4 stars; one submission).

Submission:

Clinical Genomics Laboratory, Laboratory for Precision Diagnostics, University of Washington
Classification: Likely pathogenic. Last evaluated: 2019-10-08. Review status: criteria provided, single submitter. Criteria: Clinical Cytogenomics Laboratory Policy on CNV Interpretation. Collection method: clinical testing. Allele origin: unknown. Affected: yes. Observed: 1 variant allele.

Literature cited by the submitters: PubMed 30603611; PubMed 22140086; PubMed 21739574; PubMed 20132918; PubMed 21355048; PubMed 28690489; PubMed 24038936.